The following is an entry in ClinVar:

NM_000179.3(MSH6):c.1167C>T (p.Pro389=)

Gene: MSH6 (mutS homolog 6; plus strand). Cytogenetic location: 2p16.3.
Variant type: single nucleotide variant.
Coding change: c.1167C>T on transcript NM_000179.3 (MANE Select); coding-DNA position 1167, C replaced by T.
Protein change: p.Pro389=; no amino-acid change (proline 389 retained).
Molecular consequence: synonymous variant.
Genome position (GRCh38, 1-based): chr2:47,799,150, C>T. VCF-style: chr2-47799150-C-T. GRCh37 (hg19) VCF-style: chr2-48026289-C-T.
Other names: c.777C>T, p.Pro259= (NM_001281492.2); c.261C>T, p.Pro87= (NM_001281493.2, NM_001281494.2).
Identifiers: ClinVar variation 237128 (VCV000237128.33), dbSNP rs1042819, ClinGen allele CA1649445.
Genomic context (GRCh38, chr2:47,799,150, plus strand): 5'-TTTAGAATGGCTTAAGGAGGAAAAGAGAAGAGATGAGCACAGGAGGAGGCCTGATCACCC[C>T]GATTTTGATGCATCTACACTCTATGTGCCTGAGGATTTCCTCAATTCTTGTACTCCTGGG-3'
Protein context (NP_000170.1, residues 379-399): RDEHRRRPDH[Pro389=]DFDASTLYVP

ClinVar aggregate classification (germline): Conflicting classifications of pathogenicity. Review status: criteria provided, conflicting classifications (1 of 4 stars). 13 submissions from 13 submitters: Uncertain significance (1); Benign (3); Likely benign (8). 1 of the submissions does not count toward it. Last evaluated 2026-01-31.

Conditions:
MSH6-related disorder. Also called: MSH6-related condition; MSH6-Related disorders.
Hereditary nonpolyposis colorectal neoplasms. Identifiers: MedGen C0009405, MeSH D003123.
Hereditary cancer-predisposing syndrome. Also called: Hereditary Cancer Syndrome; Tumor predisposition; Hereditary neoplastic syndrome; Neoplastic Syndromes, Hereditary. Identifiers: Orphanet 140162, MedGen C0027672, MeSH D009386, MONDO:0015356.
Lynch syndrome 5 (LYNCH5). Also called: Hereditary non-polyposis colorectal cancer, type 5; Colorectal cancer, hereditary nonpolyposis, type 5. Identifiers: Orphanet 144, MedGen C1833477, MONDO:0013710, OMIM 614350. Disease mechanism: loss of function.
Endometrial carcinoma. Also called: Endometrial carcinoma, somatic. Identifiers: MedGen C0476089, MONDO:0002447, OMIM 608089, HP:0012114.
Lynch syndrome. Identifiers: Orphanet 144, MedGen C4552100, MONDO:0005835. Disease mechanism: loss of function.

Allele frequency attached by ClinVar (database versions not stated): gnomAD 0.00003 and 0.00004; gnomAD exomes 0.00006; TOPMed 0.00006; ExAC 0.00007; 1000 Genomes Project 0.00020.
gnomAD v4.1: 68 of 1,613,686 alleles (0.0042%); highest among the groups gnomAD compares: Middle Eastern, 0.017%; no homozygotes.

Submissions (13):

Labcorp Genetics (formerly Invitae), Labcorp
Classification: Likely benign for Hereditary nonpolyposis colorectal neoplasms. Last evaluated: 2026-01-31. Review status: criteria provided, single submitter. Criteria: Invitae Variant Classification Sherloc (09022015). Collection method: clinical testing. Allele origin: germline.

Quest Diagnostics Nichols Institute San Juan Capistrano
Classification: Benign. Last evaluated: 2025-01-19. Review status: criteria provided, single submitter. Criteria: Quest Diagnostics criteria. Collection method: clinical testing. Allele origin: unknown.

Myriad Genetics, Inc.
Classification: Benign for Lynch syndrome 5. Last evaluated: 2024-12-23. Review status: criteria provided, single submitter. Criteria: Myriad Autosomal Dominant, Autosomal Recessive and X-Linked Classification Criteria (2023). Collection method: clinical testing. Allele origin: unknown.
Comment: This variant is considered benign. This variant is a silent/synonymous amino acid change and it is not expected to impact splicing.

Blueprint Genetics
Classification: Likely benign. Last evaluated: 2024-09-13. Review status: criteria provided, single submitter. Criteria: ACMG Guidelines, 2015. Collection method: clinical testing. Allele origin: germline.

Ambry Genetics
Classification: Likely benign for Hereditary cancer-predisposing syndrome. Last evaluated: 2024-02-27. Review status: criteria provided, single submitter. Criteria: Ambry Variant Classification Scheme 2023. Collection method: clinical testing. Allele origin: germline.

All of Us Research Program, National Institutes of Health
Classification: Likely benign for Lynch syndrome. Last evaluated: 2023-12-13. Review status: criteria provided, single submitter. Criteria: ACMG Guidelines, 2015. Collection method: clinical testing. Allele origin: germline. Inheritance: Autosomal dominant inheritance. Observed: 21 variant alleles, 21 heterozygotes.
Comment: This study involves interpretation of variants in research participants for the purpose of population health screening. Participant phenotype was not available at the time of variant classification. Additional details can be found in publication PMID: 35346344, PMCID: PMC8962531

Sema4
Classification: Likely benign for Hereditary cancer-predisposing syndrome. Last evaluated: 2021-10-22. Review status: criteria provided, single submitter. Criteria: Sema4 Curation Guidelines. Collection method: curation. Allele origin: germline.

Department of Pathology and Laboratory Medicine, Sinai Health System
Classification: Likely benign for Endometrial carcinoma; Lynch syndrome 5. Last evaluated: 2021-06-15. Review status: criteria provided, single submitter. Criteria: ACMG Guidelines, 2015. Collection method: clinical testing. Allele origin: germline. Affected: yes.

Women's Health and Genetics/Laboratory Corporation of America, LabCorp
Classification: Likely benign. Last evaluated: 2021-01-08. Review status: criteria provided, single submitter. Criteria: LabCorp Variant Classification Summary - May 2015. Collection method: clinical testing. Allele origin: germline.

Illumina Laboratory Services, Illumina
Classification: Uncertain significance for Lynch syndrome 5. Last evaluated: 2018-01-13. Review status: criteria provided, single submitter. Criteria: ICSL Variant Classification Criteria 13 December 2019. Collection method: clinical testing. Allele origin: germline.

Color Diagnostics, LLC DBA Color Health
Classification: Likely benign for Hereditary cancer-predisposing syndrome. Last evaluated: 2015-10-19. Review status: criteria provided, single submitter. Criteria: ACMG Guidelines, 2015. Collection method: clinical testing. Allele origin: germline.

GeneDx
Classification: Benign. Last evaluated: 2015-03-03. Review status: criteria provided, single submitter. Criteria: GeneDx Variant Classification Process June 2021. Collection method: clinical testing. Allele origin: germline. Affected: yes.

PreventionGenetics, part of Exact Sciences
Classification: Likely benign for MSH6-related condition. Last evaluated: 2020-08-31. Review status: no assertion criteria provided. Collection method: clinical testing. Allele origin: germline. Not counted in ClinVar's aggregate classification.
Comment: This variant is classified as likely benign based on ACMG/AMP sequence variant interpretation guidelines (Richards et al. 2015 PMID: 25741868, with internal and published modifications).

Literature cited by the submitters: PubMed 28873162 (cited by Quest Diagnostics Nichols Institute San Juan Capistrano).